The following is an entry in ClinVar:

NM_022455.5(NSD1):c.3548_3549del (p.Asn1182_Ser1183insTer)

Gene: NSD1 (nuclear receptor binding SET domain protein 1; plus strand). Cytogenetic location: 5q35.3.
Variant type: Microsatellite.
Coding change: c.3548_3549del on transcript NM_022455.5 (MANE Select); coding-DNA positions 3548 to 3549, 2 bases deleted (CT; older notation c.3548_3549delCT).
Protein change: p.Asn1182_Ser1183insTer.
Molecular consequence: nonsense. On other transcripts: frameshift variant (12).
Genome position (GRCh38, 1-based): chr5:177,211,947-177,211,948, CT deleted; deleting any 2 consecutive bases within chr5:177,211,945-177,211,948 gives the same sequence; the c. name uses the placement nearest the transcript's 3' end. VCF-style (leftmost placement, unchanged base first): chr5-177211944-ACT-A. GRCh37 (hg19) VCF-style: chr5-176638945-ACT-A.
Other names: c.2673_2674CT[1], p.Ser892Terfs (NM_001365684.2, NM_001409306.1, NM_001409307.1 and 3 more transcripts); c.3546_3547CT[1], p.Ser1183Terfs (NM_001409301.1, NM_001409302.1, NM_001409303.1); c.3126_3127CT[1], p.Ser1043Terfs (NM_001409304.1); c.2793_2794CT[1], p.Ser932Terfs (NM_001409305.1); c.3548_3549delCT (NM_022455.4).
Identifiers: ClinVar variation 265496 (VCV000265496.3), dbSNP rs886039578, ClinGen allele CA10588400.
Genomic context (GRCh38, chr5:177,211,944, plus strand): 5'-GTTTAAACCAAAGGCGCACTAAACCTCGTAAGCGCATGAACAGATTTAAAGAGAAAGAAA[ACT>A]CTGAGTGTGCCTTTAGGGTCTTACTTCCTAGTGACCCTGTGCAGGAGGGGCGGGATGAGT-3'

ClinVar aggregate classification (germline): Pathogenic. Review status: criteria provided, multiple submitters, no conflicts (2 of 4 stars). 2 submissions from 2 submitters: Pathogenic (2). Last evaluated 2025-12-29.

Conditions:
NSD1-related disorder. Also called: NSD1-related condition.

Submissions (2):

PreventionGenetics, part of Exact Sciences
Classification: Pathogenic for NSD1-related condition. Last evaluated: 2025-12-29. Review status: criteria provided, single submitter. Criteria: ACMG Guidelines, 2015. Collection method: clinical testing. Allele origin: germline.
Comment: The NSD1 c.3548_3549delCT variant is predicted to result in premature protein termination (p.Ser1183*). This variant has been reported in two individuals with Sotos syndrome and as de novo in an individual with developmental disorder (Duno et al. 2007. PubMed ID: 17561922; Grand et al. 2019. PubMed ID: 30719864; Suppl. Data 3, Zhou et al. 2022. PubMed ID: 35982159). This variant has not been reported in a large population database (gnomAD), indicating this variant is rare. Nonsense variants in NSD1 are expected to be pathogenic. This variant is interpreted as pathogenic.

GeneDx
Classification: Pathogenic. Last evaluated: 2017-06-02. Review status: criteria provided, single submitter. Criteria: GeneDx Variant Classification (06012015). Collection method: clinical testing. Allele origin: germline. Affected: yes.
Comment: The S1183X variant in the NSD1 gene has been reported previously as a pathogenic variant in a patient with a clinical diagnosis of Sotos syndrome (Duno et al., 2007). This variant is predicted to cause loss of normal protein function either through protein truncation or nonsense-mediated mRNA decay. The S1183X variant was not observed in approximately 6500 individuals of European and African American ancestry in the NHLBI Exome Sequencing Project, indicating it is not a common benign variant in these populations. We interpret S1183X as a pathogenic variant.